The following is an entry in ClinVar:

ClinVar aggregate classification (germline): Pathogenic (1 of 4 stars; one submission).

Submission:

GeneDx
Classification: Pathogenic. Last evaluated: 2017-08-17. Review status: criteria provided, single submitter. Criteria: GeneDx Variant Classification (06012015). Collection method: clinical testing. Allele origin: germline. Affected: yes.
Comment: The c.645_646delTC variant in the CHRNB1 gene has not been reported previously as a pathogenic variant nor as a benign variant, to our knowledge. The c.645_646delTC variant causes a frameshift starting with codon Arginine 216, changes this amino acid to an Alanine residue, and creates a premature Stop codon at position 9 of the new reading frame, denoted p.Arg216AlafsX9. This variant is predicted to cause loss of normal protein function either through protein truncation or nonsense-mediated mRNA decay. The c.645_646delTC variant is not observed in large population cohorts (Lek et al., 2016; 1000 Genomes Consortium et al., 2015; Exome Variant Server). We interpret c.645_646delTC as a pathogenic variant.

NM_000747.3(CHRNB1):c.645_646del (p.Arg216fs)

Gene: CHRNB1 (cholinergic receptor nicotinic beta 1 subunit; plus strand). Cytogenetic location: 17p13.1.
Variant type: Microsatellite.
Coding change: c.645_646del on transcript NM_000747.3 (MANE Select); coding-DNA positions 645 to 646, 2 bases deleted (TC; older notation c.645_646delTC).
Protein change: p.Arg216fs; shifts the reading frame from arginine 216.
Molecular consequence: frameshift variant.
Genome position (GRCh38, 1-based): chr17:7,448,613-7,448,614, TC deleted; deleting any 2 consecutive bases within chr17:7,448,610-7,448,614 gives the same sequence; the c. name uses the placement nearest the transcript's 3' end. VCF-style (leftmost placement, unchanged base first): chr17-7448609-CCT-C. GRCh37 (hg19) VCF-style: chr17-7351928-CCT-C.
Other names: short protein forms R216fs.
Identifiers: ClinVar variation 451505 (VCV000451505.2), dbSNP rs1555552004, ClinGen allele CA658658535.